The following is an entry in ClinVar:

NM_152384.3(BBS5):c.472G>A (p.Glu158Lys)

Gene: BBS5 (Bardet-Biedl syndrome 5; plus strand). Cytogenetic location: 2q31.1.
Variant type: single nucleotide variant.
Coding change: c.472G>A on transcript NM_152384.3 (MANE Select); coding-DNA position 472, G replaced by A.
Protein change: p.Glu158Lys; replaces glutamic acid 158 with lysine.
Molecular consequence: missense variant.
Genome position (GRCh38, 1-based): chr2:169,492,959, G>A. VCF-style: chr2-169492959-G-A. GRCh37 (hg19) VCF-style: chr2-170349469-G-A.
Other names: short protein forms E158K.
Identifiers: ClinVar variation 1033146 (VCV001033146.6), dbSNP rs1683625962, ClinGen allele CA349164789.

ClinVar aggregate classification (germline): Uncertain significance. Review status: criteria provided, multiple submitters, no conflicts (2 of 4 stars). 4 submissions from 4 submitters: Uncertain significance (4). Last evaluated 2025-12-30.

Conditions:
BBS5-related disorder. Also called: BBS5-related condition.
Bardet-Biedl syndrome (BBS). Identifiers: Orphanet 110, MedGen C0752166, MONDO:0015229.
Bardet-Biedl syndrome 5 (BBS5). Identifiers: Orphanet 110, MedGen C3892039, MONDO:0014434, OMIM 615983.

Allele frequency attached by ClinVar (database versions not stated): gnomAD 0.00001.
gnomAD v4.1: 1 of 1,613,442 alleles (0.000062%); highest among the groups gnomAD compares: African/African-American, 0.0013%; no homozygotes.

Submissions (4):

PreventionGenetics, part of Exact Sciences
Classification: Uncertain significance for BBS5-related condition. Last evaluated: 2025-12-30. Review status: criteria provided, single submitter. Criteria: ACMG Guidelines, 2015. Collection method: clinical testing. Allele origin: germline.
Comment: The BBS5 c.472G>A variant is predicted to result in the amino acid substitution p.Glu158Lys. To our knowledge, this variant has not been reported in the literature or in a large population database (gnomAD), indicating this variant is rare. At this time, the clinical significance of this variant is uncertain due to the absence of conclusive functional and genetic evidence.

Labcorp Genetics (formerly Invitae), Labcorp
Classification: Uncertain significance for Bardet-Biedl syndrome. Last evaluated: 2025-04-20. Review status: criteria provided, single submitter. Criteria: Invitae Variant Classification Sherloc (09022015). Collection method: clinical testing. Allele origin: germline.
Comment: This sequence change replaces glutamic acid, which is acidic and polar, with lysine, which is basic and polar, at codon 158 of the BBS5 protein (p.Glu158Lys). This variant is not present in population databases (gnomAD no frequency). This missense change has been observed in individual(s) with clinical features of Bardet-Biedl syndrome (internal data). ClinVar contains an entry for this variant (Variation ID: 1033146). Invitae Evidence Modeling of protein sequence and biophysical properties (such as structural, functional, and spatial information, amino acid conservation, physicochemical variation, residue mobility, and thermodynamic stability) indicates that this missense variant is expected to disrupt BBS5 protein function with a positive predictive value of 80%. Algorithms developed to predict the effect of sequence changes on RNA splicing suggest that this variant may disrupt the consensus splice site. In summary, the available evidence is currently insufficient to determine the role of this variant in disease. Therefore, it has been classified as a Variant of Uncertain Significance.

Fulgent Genetics
Classification: Uncertain significance for Bardet-Biedl syndrome 5. Last evaluated: 2024-05-08. Review status: criteria provided, single submitter. Criteria: ACMG Guidelines, 2015. Collection method: clinical testing. Allele origin: germline.

Baylor Genetics
Classification: Uncertain significance for Bardet-Biedl syndrome 5. Last evaluated: 2018-06-29. Review status: criteria provided, single submitter. Criteria: ACMG Guidelines, 2015. Collection method: clinical testing. Allele origin: paternal. Affected: yes.
Comment: This variant was determined to be of uncertain significance according to ACMG Guidelines, 2015 [PMID:25741868].